The following is an entry in ClinVar:

ClinVar aggregate classification (germline): Uncertain significance (1 of 4 stars; one submission).

Conditions:
Charcot-Marie-Tooth disease axonal type 2O. Also called: CHARCOT-MARIE-TOOTH NEUROPATHY, AXONAL, TYPE 2O; CHARCOT-MARIE-TOOTH DISEASE, AXONAL, AUTOSOMAL DOMINANT, TYPE 2O; Charcot-Marie-Tooth Neuropathy Type 2O; Charcot-Marie-Tooth disease, axonal, type 20. Identifiers: Orphanet 284232, MedGen C3280220, MONDO:0013644, OMIM 614228.

Submission:

Labcorp Genetics (formerly Invitae), Labcorp
Classification: Uncertain significance for Charcot-Marie-Tooth disease axonal type 2O. Last evaluated: 2023-05-23. Review status: criteria provided, single submitter. Criteria: Invitae Variant Classification Sherloc (09022015). Collection method: clinical testing. Allele origin: germline.
Comment: This sequence change replaces leucine, which is neutral and non-polar, with valine, which is neutral and non-polar, at codon 62 of the DYNC1H1 protein (p.Leu62Val). In summary, the available evidence is currently insufficient to determine the role of this variant in disease. Therefore, it has been classified as a Variant of Uncertain Significance. Advanced modeling of protein sequence and biophysical properties (such as structural, functional, and spatial information, amino acid conservation, physicochemical variation, residue mobility, and thermodynamic stability) performed at Invitae indicates that this missense variant is not expected to disrupt DYNC1H1 protein function. This variant has not been reported in the literature in individuals affected with DYNC1H1-related conditions. This variant is not present in population databases (gnomAD no frequency).

NM_001376.5(DYNC1H1):c.184C>G (p.Leu62Val)

Gene: DYNC1H1 (dynein cytoplasmic 1 heavy chain 1; plus strand). Cytogenetic location: 14q32.31.
Variant type: single nucleotide variant.
Coding change: c.184C>G on transcript NM_001376.5 (MANE Select); coding-DNA position 184, C replaced by G.
Protein change: p.Leu62Val; replaces leucine 62 with valine.
Molecular consequence: missense variant.
Genome position (GRCh38, 1-based): chr14:101,964,875, C>G. VCF-style: chr14-101964875-C-G. GRCh37 (hg19) VCF-style: chr14-102431212-C-G.
Other names: short protein forms L62V.
Identifiers: ClinVar variation 2850764 (VCV002850764.3), dbSNP rs777022618, ClinGen allele CA391003601.